The following is an entry in ClinVar:

NM_000535.7(PMS2):c.450C>T (p.Pro150=)

Gene: PMS2 (PMS1 homolog 2, mismatch repair system component; minus strand). Cytogenetic location: 7p22.1.
Variant type: single nucleotide variant.
Coding change: c.450C>T on transcript NM_000535.7 (MANE Select); coding-DNA position 450, C replaced by T.
Protein change: p.Pro150=; no amino-acid change (proline 150 retained).
Molecular consequence: synonymous variant. On other transcripts: 5 prime UTR variant (2), non-coding transcript variant (1).
Genome position (GRCh38, 1-based): chr7:6,002,540, G>A on the plus strand (C>T on the coding strand, the complement: PMS2 is on the minus strand). VCF-style: chr7-6002540-G-A. GRCh37 (hg19) VCF-style: chr7-6042171-G-A.
Other names: c.45C>T, p.Pro15= (NM_001322003.2, NM_001322004.2, NM_001322005.2 and 3 more transcripts); c.450C>T, p.Pro150= (NM_001322006.2, NM_001322014.2); c.132C>T, p.Pro44= (NM_001322007.2, NM_001322008.2); c.-435C>T (NM_001322011.2, NM_001322012.2); c.141C>T, p.Pro47= (NM_001322015.2).
Identifiers: ClinVar variation 480333 (VCV000480333.15), dbSNP rs1554303987, ClinGen allele CA453647650.

ClinVar aggregate classification (germline): Benign/Likely benign. Review status: criteria provided, multiple submitters, no conflicts (2 of 4 stars). 3 submissions from 3 submitters: Benign (1); Likely benign (2). Last evaluated 2025-11-17.

Conditions:
Hereditary cancer-predisposing syndrome. Also called: Hereditary Cancer Syndrome; Neoplastic Syndromes, Hereditary; Tumor predisposition; Hereditary neoplastic syndrome. Identifiers: Orphanet 140162, MedGen C0027672, MeSH D009386, MONDO:0015356.
Lynch syndrome 4 (LYNCH4). Also called: Colorectal cancer, hereditary nonpolyposis, type 4; Hereditary non-polyposis colorectal cancer, type 4. Identifiers: Orphanet 144, MedGen C1838333, MONDO:0013699, OMIM 614337. Disease mechanism: loss of function.
Hereditary nonpolyposis colorectal neoplasms. Identifiers: MedGen C0009405, MeSH D003123.

gnomAD v4.1: 1 of 1,611,664 alleles (0.000062%); no homozygotes.

Submissions (3):

Labcorp Genetics (formerly Invitae), Labcorp
Classification: Likely benign for Hereditary nonpolyposis colorectal neoplasms. Last evaluated: 2025-11-17. Review status: criteria provided, single submitter. Criteria: Invitae Variant Classification Sherloc (09022015). Collection method: clinical testing. Allele origin: germline.

Myriad Genetics, Inc.
Classification: Benign for Lynch syndrome 4. Last evaluated: 2025-01-27. Review status: criteria provided, single submitter. Criteria: Myriad Autosomal Dominant, Autosomal Recessive and X-Linked Classification Criteria (2023). Collection method: clinical testing. Allele origin: unknown.
Comment: This variant is considered benign. This variant is a silent/synonymous amino acid change and it is not expected to impact splicing.

Ambry Genetics
Classification: Likely benign for Hereditary cancer-predisposing syndrome. Last evaluated: 2016-06-06. Review status: criteria provided, single submitter. Criteria: Ambry Variant Classification Scheme 2023. Collection method: clinical testing. Allele origin: germline.